The following is an entry in ClinVar:

ClinVar aggregate classification (germline): Benign (1 of 4 stars; one submission).

Conditions:
Leigh syndrome (NULS). Also called: Leigh's necrotizing encephalopathy; Leigh's disease; Leigh Syndrome (mtDNA deletion); Leigh Disease; Subacute necrotizing encephalopathy; Necrotizing encephalopathy infantile subacute of Leigh. Identifiers: Orphanet 506, MedGen C2931891, MONDO:0009723, OMIM 256000.

Submission:

Wong Mito Lab, Molecular and Human Genetics, Baylor College of Medicine
Classification: Benign for Leigh syndrome. Last evaluated: 2019-10-17. Review status: criteria provided, single submitter. Criteria: Modified ACMG Guidelines (Unpublished). Collection method: clinical testing. Allele origin: germline.
Comment: The NC_012920.1:m.8400T>C (YP_003024030.1:p.Met12Thr) variant in MTATP8 gene is interpretated to be a Benign variant based on the modified ACMG guidelines (unpublished). This variant meets the following evidence codes: BS1, BS4, BP4

NC_012920.1(MT-ATP8):m.8400T>C

Gene: MT-ATP8 (mitochondrially encoded ATP synthase 8; plus strand).
Variant type: single nucleotide variant.
Genome position: chrM-8400-T-C.
Identifiers: ClinVar variation 692844 (VCV000692844.1), dbSNP rs1603221459, ClinGen allele CA414795938.